The following is an entry in ClinVar:

ClinVar aggregate classification (germline): Conflicting classifications of pathogenicity. Review status: criteria provided, conflicting classifications (1 of 4 stars). 2 submissions from 2 submitters: Uncertain significance (1); Likely benign (1). Last evaluated 2024-04-28.

Conditions:
Cardiovascular phenotype. Identifiers: MedGen CN230736.

Allele frequency attached by ClinVar (database versions not stated): gnomAD 0.00001; ExAC 0.00002; gnomAD exomes 0.00002; 1000 Genomes Project 30x 0.00016; 1000 Genomes Project 0.00020.
gnomAD v4.1: 15 of 1,609,394 alleles (0.00093%); highest among the groups gnomAD compares: Admixed American, 0.005%; no homozygotes.

Submissions (2):

Ambry Genetics
Classification: Likely benign for Cardiovascular phenotype. Last evaluated: 2024-04-28. Review status: criteria provided, single submitter. Criteria: Ambry Variant Classification Scheme 2023. Collection method: clinical testing. Allele origin: germline.

Women's Health and Genetics/Laboratory Corporation of America, LabCorp
Classification: Uncertain significance. Last evaluated: 2021-04-08. Review status: criteria provided, single submitter. Criteria: LabCorp Variant Classification Summary - May 2015. Collection method: clinical testing. Allele origin: germline.
Comment: Variant summary: SOS1 c.2062C>A (p.Arg688Arg) alters a conserved nucleotide located close to a canonical splice site and therefore could affect mRNA splicing, leading to a significantly altered protein sequence. 4/4 computational tools predict no significant impact on normal splicing. However, these predictions have yet to be confirmed by functional studies. The variant allele was found at a frequency of 2e-05 in 250258 control chromosomes (gnomAD). The available data on variant occurrences in the general population are insufficient to allow any conclusion about variant significance. To our knowledge, no occurrence of c.2062C>A in individuals affected with Noonan Syndrome and no experimental evidence demonstrating its impact on protein function have been reported. No clinical diagnostic laboratories have submitted clinical-significance assessments for this variant to ClinVar after 2014. Based on the evidence outlined above, the variant was classified as uncertain significance.

NM_005633.4(SOS1):c.2062C>A (p.Arg688=)

Gene: SOS1 (SOS Ras/Rac guanine nucleotide exchange factor 1; minus strand). Cytogenetic location: 2p22.1.
Variant type: single nucleotide variant.
Coding change: c.2062C>A on transcript NM_005633.4 (MANE Select); coding-DNA position 2062, C replaced by A.
Protein change: p.Arg688=; no amino-acid change (arginine 688 retained).
Molecular consequence: synonymous variant.
Genome position (GRCh38, 1-based): chr2:39,013,868, G>T on the plus strand (C>A on the coding strand, the complement: SOS1 is on the minus strand). VCF-style: chr2-39013868-G-T. GRCh37 (hg19) VCF-style: chr2-39241009-G-T.
Other names: c.2041C>A, p.Arg681= (NM_001382394.1); c.2062C>A, p.Arg688= (NM_001382395.1).
Identifiers: ClinVar variation 1065131 (VCV001065131.2), dbSNP rs186246534, ClinGen allele CA1624487.
Genomic context (GRCh38, chr2:39,013,868, plus strand): 5'-TTCAACATTGAAACGAAAGTTTGATAAAGACTTATTTACTTCATTTATTTAATGCTTACC[G>T]CAGTTGCACAGGCTGTATATATTCTTTTCTAAATCTTTTCAGTTCTGCACTCAAGGGTTG-3'
Protein context (NP_005624.2, residues 678-698): RKEYIQPVQL[Arg688=]VLNVCRHWVE